The following is an entry in ClinVar:

NM_199420.4(POLQ):c.4729C>A (p.Pro1577Thr)

Gene: POLQ (DNA polymerase theta; minus strand). Cytogenetic location: 3q13.33.
Variant type: single nucleotide variant.
Coding change: c.4729C>A on transcript NM_199420.4 (MANE Select); coding-DNA position 4729, C replaced by A.
Protein change: p.Pro1577Thr; replaces proline 1577 with threonine.
Molecular consequence: missense variant.
Genome position (GRCh38, 1-based): chr3:121,488,202, G>T on the plus strand (C>A on the coding strand, the complement: POLQ is on the minus strand). VCF-style: chr3-121488202-G-T. GRCh37 (hg19) VCF-style: chr3-121207049-G-T.
Other names: short protein forms P1577T.
Identifiers: ClinVar variation 1050666 (VCV001050666.1), dbSNP rs912781729, ClinGen allele CA81835434.

ClinVar aggregate classification (germline): Uncertain significance (0 of 4 stars; one submission).

Allele frequency attached by ClinVar (database versions not stated): gnomAD exomes below 0.00001 and 0.00001; TOPMed 0.00001.
gnomAD v4.1: 11 of 1,613,398 alleles (0.00068%); highest among the groups gnomAD compares: Middle Eastern, 0.017%; no homozygotes.

Submission:

Department of Pathology and Laboratory Medicine, Sinai Health System
Classification: Uncertain significance. Review status: no assertion criteria provided. Collection method: clinical testing. Allele origin: unknown. Affected: yes. Study: The Canadian Open Genetics Repository (COGR).
Comment: The POLQ p.Pro1577Thr variant was not identified in the literature nor was it identified in ClinVar, Cosmic, MutDB or LOVD 3.0. The variant was identified in dbSNP (ID: rs912781729) and in control databases in 1 of 250266 chromosomes at a frequency of 0.000004 (Genome Aggregation Database Feb 27, 2017). The variant was observed in the following population: Latino in 1 of 34552 chromosomes (freq: 0.000029), but was not observed in the African, Ashkenazi Jewish, East Asian, European (Finnish), European (non-Finnish), Other, and South Asian populations. The p.Pro1577 residue is not conserved in mammals and four out of five computational analyses (PolyPhen-2, SIFT, AlignGVGD, and MutationTaster) do not suggest a high likelihood of impact to the protein; however, this information is not predictive enough to rule out pathogenicity. In summary, based on the above information the clinical significance of this variant cannot be determined with certainty at this time. This variant is classified as a variant of uncertain significance.